The following is an entry in ClinVar:

NC_000023.10:g.(?_31947693)_(32305838_?)dup

Gene: DMD (dystrophin; minus strand). Cytogenetic location: Xp21.1.
Variant type: Duplication.
Identifiers: ClinVar variation 1387973 (VCV001387973.6).

ClinVar aggregate classification (germline): Uncertain significance (1 of 4 stars; one submission).

Conditions:
Duchenne muscular dystrophy (DMD). Also called: MUSCULAR DYSTROPHY, PSEUDOHYPERTROPHIC PROGRESSIVE, DUCHENNE TYPE; Duchenne Muscular Dystrophy (DMD). Identifiers: Orphanet 98896, MedGen C0013264, MONDO:0010679, OMIM 310200.

Submission:

Labcorp Genetics (formerly Invitae), Labcorp
Classification: Uncertain significance for Duchenne muscular dystrophy. Last evaluated: 2021-12-24. Review status: criteria provided, single submitter. Criteria: Invitae Variant Classification Sherloc (09022015). Collection method: clinical testing. Allele origin: germline.
Comment: In summary, the available evidence is currently insufficient to determine the role of this variant in disease. Therefore, it has been classified as a Variant of Uncertain Significance. Experimental studies and prediction algorithms are not available or were not evaluated, and the functional significance of this variant is currently unknown. A similar copy number variant has been observed in individual(s) with Becker muscular dystrophy (PMID: 22776072). This variant results in a copy number gain of the genomic region encompassing exon(s) 43-47 of the DMD gene. While the exact position of this variant cannot be determined from the data, sub-genic copy number gains are generally in tandem (PMID: 25640679). This variant is predicted to be in-frame, and likely preserves the integrity of the reading frame.

Literature cited by the submitters: PubMed 22776072; PubMed 25640679.